The following is an entry in ClinVar:

ClinVar aggregate classification (germline): Uncertain significance. Review status: criteria provided, multiple submitters, no conflicts (2 of 4 stars). 2 submissions from 2 submitters: Uncertain significance (2). Last evaluated 2025-12-01.

Conditions:
Decreased response to growth hormone stimulation test. Also called: Growth hormone deficiency. Identifiers: MedGen C5539399, HP:0000824.

Allele frequency attached by ClinVar (database versions not stated): gnomAD 0.00002 and 0.00003; gnomAD exomes 0.00004 and 0.00005; TOPMed 0.00005; ExAC 0.00007; ESP Exome Variant Server 0.00008.
gnomAD v4.1: 70 of 1,614,020 alleles (0.0043%); highest among the groups gnomAD compares: South Asian, 0.032%; no homozygotes.

Submissions (2):

CeGaT Center for Human Genetics Tuebingen
Classification: Uncertain significance. Last evaluated: 2025-12-01. Review status: criteria provided, single submitter. Criteria: CeGaT Center For Human Genetics Tuebingen Variant Classification Criteria Version 2. Collection method: clinical testing. Allele origin: germline. Affected: yes. Observed: 1 variant allele.
Comment: GH1: PM2, BP4

Illumina Laboratory Services, Illumina
Classification: Uncertain significance for Growth hormone deficiency. Last evaluated: 2017-04-28. Review status: criteria provided, single submitter. Criteria: ICSL Variant Classification Criteria 13 December 2019. Collection method: clinical testing. Allele origin: germline.
Comment: This variant was observed as part of a predisposition screen in an ostensibly healthy population. A literature search was performed for the gene, cDNA change, and amino acid change (where applicable). Publications were found based on this search. However, the evidence from the literature, in combination with allele frequency data from public databases where available, was not sufficient to rule this variant in or out of causing disease. Therefore, this variant is classified as a variant of unknown significance.

Literature cited by the submitters: PubMed 18785993 (cited by Illumina Laboratory Services, Illumina).

NM_000515.5(GH1):c.352T>C (p.Phe118Leu)

Genes: GH-LCR (growth hormone locus control region; plus strand), GH1 (growth hormone 1; minus strand). Cytogenetic location: 17q23.3.
Variant type: single nucleotide variant.
Coding change: c.352T>C on transcript NM_000515.5 (MANE Select); coding-DNA position 352, T replaced by C.
Protein change: p.Phe118Leu; replaces phenylalanine 118 with leucine.
Molecular consequence: missense variant.
Genome position (GRCh38, 1-based): chr17:63,917,864, A>G on the plus strand (T>C on the coding strand, the complement: GH1 is on the minus strand). VCF-style: chr17-63917864-A-G. GRCh37 (hg19) VCF-style: chr17-61995224-A-G.
Other names: c.307T>C, p.Phe103Leu (NM_022559.4); c.232T>C, p.Phe78Leu (NM_022560.4); short protein forms F118L, F103L, F78L.
Identifiers: ClinVar variation 892517 (VCV000892517.9), dbSNP rs372776291, ClinGen allele CA8708215.